The following is an entry in ClinVar:

NM_000051.4(ATM):c.7320G>C (p.Lys2440Asn)

Genes: ATM (ATM serine/threonine kinase; plus strand), C11orf65 (chromosome 11 open reading frame 65; minus strand). Cytogenetic location: 11q22.3.
Variant type: single nucleotide variant.
Coding change: c.7320G>C on transcript NM_000051.4 (MANE Select); coding-DNA position 7320, G replaced by C.
Protein change: p.Lys2440Asn; replaces lysine 2440 with asparagine.
Molecular consequence: missense variant. On other transcripts: intron variant (2).
Genome position (GRCh38, 1-based): chr11:108,330,226, G>C. VCF-style: chr11-108330226-G-C. GRCh37 (hg19) VCF-style: chr11-108200953-G-C.
Other names: c.7320G>C, p.Lys2440Asn (NM_001351834.2); c.641-21155C>G (NM_001330368.2); c.*38+4994C>G (NM_001351110.2); short protein forms K2440N.
Identifiers: ClinVar variation 1009116 (VCV001009116.12), dbSNP rs751537332, ClinGen allele CA6266098.

ClinVar aggregate classification (germline): Uncertain significance. Review status: criteria provided, multiple submitters, no conflicts (2 of 4 stars). 4 submissions from 4 submitters: Uncertain significance (4). Last evaluated 2025-11-17.

Conditions:
Familial cancer of breast. Also called: Hereditary breast cancer; hereditary breast carcinoma; BREAST CANCER, FAMILIAL. Identifiers: Orphanet 227535, MedGen C0346153, MONDO:0016419, OMIM 114480. Disease mechanism: loss of function.
Ataxia-telangiectasia syndrome (AT). Also called: Ataxia telangiectasia (A-T); ATAXIA-TELANGIECTASIA, COMPLEMENTATION GROUP A; ATAXIA-TELANGIECTASIA, FRESNO VARIANT; Ataxia-telangiectasia; Ataxia-telangiectasia, complementation group E; LOUIS-BAR SYNDROME. Identifiers: Orphanet 100, MedGen C0004135, MONDO:0008840, OMIM 208900.
Hereditary cancer-predisposing syndrome. Also called: Neoplastic Syndromes, Hereditary; Tumor predisposition; Hereditary Cancer Syndrome; Hereditary neoplastic syndrome. Identifiers: Orphanet 140162, MedGen C0027672, MeSH D009386, MONDO:0015356.

Allele frequency attached by ClinVar (database versions not stated): ExAC 0.00002; gnomAD exomes 0.00001.
gnomAD v4.1: 12 of 1,614,052 alleles (0.00074%); highest among the groups gnomAD compares: Non-Finnish European, 0.001%; no homozygotes.

Submissions (4):

Labcorp Genetics (formerly Invitae), Labcorp
Classification: Uncertain significance for Ataxia-telangiectasia syndrome. Last evaluated: 2025-11-17. Review status: criteria provided, single submitter. Criteria: Invitae Variant Classification Sherloc (09022015). Collection method: clinical testing. Allele origin: germline.
Comment: This sequence change replaces lysine, which is basic and polar, with asparagine, which is neutral and polar, at codon 2440 of the ATM protein (p.Lys2440Asn). This variant is present in population databases (rs751537332, gnomAD 0.002%). This variant has not been reported in the literature in individuals affected with ATM-related conditions. ClinVar contains an entry for this variant (Variation ID: 1009116). Invitae Evidence Modeling of protein sequence and biophysical properties (such as structural, functional, and spatial information, amino acid conservation, physicochemical variation, residue mobility, and thermodynamic stability) indicates that this missense variant is not expected to disrupt ATM protein function with a negative predictive value of 95%. In summary, the available evidence is currently insufficient to determine the role of this variant in disease. Therefore, it has been classified as a Variant of Uncertain Significance.

Color Diagnostics, LLC DBA Color Health
Classification: Uncertain significance for Hereditary cancer-predisposing syndrome. Last evaluated: 2023-12-21. Review status: criteria provided, single submitter. Criteria: ACMG Guidelines, 2015. Collection method: clinical testing. Allele origin: germline.
Comment: This missense variant replaces lysine with asparagine at codon 2440 of the ATM protein. Computational prediction is inconclusive regarding the impact of this variant on protein structure and function (internally defined REVEL score threshold 0.5 < inconclusive < 0.7, PMID: 27666373). To our knowledge, functional studies have not been reported for this variant. This variant has not been reported in individuals affected with ATM-related disorders in the literature. This variant has been identified in 2/251038 chromosomes in the general population by the Genome Aggregation Database (gnomAD). The available evidence is insufficient to determine the role of this variant in disease conclusively. Therefore, this variant is classified as a Variant of Uncertain Significance.

Ambry Genetics
Classification: Uncertain significance for Hereditary cancer-predisposing syndrome. Last evaluated: 2023-12-04. Review status: criteria provided, single submitter. Criteria: Ambry Variant Classification Scheme 2023. Collection method: clinical testing. Allele origin: germline.
Comment: The p.K2440N variant (also known as c.7320G>C), located in coding exon 49 of the ATM gene, results from a G to C substitution at nucleotide position 7320. The lysine at codon 2440 is replaced by asparagine, an amino acid with similar properties. This amino acid position is highly conserved in available vertebrate species. In addition, this alteration is predicted to be tolerated by in silico analysis. Since supporting evidence is limited at this time, the clinical significance of this alteration remains unclear.

Baylor Genetics
Classification: Uncertain significance for Familial cancer of breast. Last evaluated: 2023-06-23. Review status: criteria provided, single submitter. Criteria: ACMG Guidelines, 2015. Collection method: clinical testing. Allele origin: unknown.